The following is an entry in ClinVar:

ClinVar aggregate classification (germline): Uncertain significance (1 of 4 stars; one submission).

gnomAD v4.1: 1 of 1,613,714 alleles (0.000062%); highest among the groups gnomAD compares: Non-Finnish European, 0.000085%; no homozygotes.

Submission:

Labcorp Genetics (formerly Invitae), Labcorp
Classification: Uncertain significance. Last evaluated: 2021-08-28. Review status: criteria provided, single submitter. Criteria: Invitae Variant Classification Sherloc (09022015). Collection method: clinical testing. Allele origin: germline.
Comment: This sequence change replaces proline with histidine at codon 494 of the RNF168 protein (p.Pro494His). The proline residue is weakly conserved and there is a moderate physicochemical difference between proline and histidine. This variant is not present in population databases (ExAC no frequency). This variant has not been reported in the literature in individuals affected with RNF168-related conditions. Algorithms developed to predict the effect of missense changes on protein structure and function are either unavailable or do not agree on the potential impact of this missense change (SIFT: "Deleterious"; PolyPhen-2: "Benign"; Align-GVGD: "Class C0"). In summary, the available evidence is currently insufficient to determine the role of this variant in disease. Therefore, it has been classified as a Variant of Uncertain Significance.

NM_152617.4(RNF168):c.1481C>A (p.Pro494His)

Gene: RNF168 (ring finger protein 168; minus strand). Cytogenetic location: 3q29.
Variant type: single nucleotide variant.
Coding change: c.1481C>A on transcript NM_152617.4 (MANE Select); coding-DNA position 1481, C replaced by A.
Protein change: p.Pro494His; replaces proline 494 with histidine.
Molecular consequence: missense variant.
Genome position (GRCh38, 1-based): chr3:196,472,054, G>T on the plus strand (C>A on the coding strand, the complement: RNF168 is on the minus strand). VCF-style: chr3-196472054-G-T. GRCh37 (hg19) VCF-style: chr3-196198925-G-T.
Other names: short protein forms P494H.
Identifiers: ClinVar variation 1523948 (VCV001523948.5), dbSNP rs35132476, ClinGen allele CA355615431.